The following is an entry in ClinVar:

NM_003924.4(PHOX2B):c.295C>T (p.Arg99Trp)

Gene: PHOX2B (paired like homeobox 2B; minus strand). Cytogenetic location: 4p13.
Variant type: single nucleotide variant.
Coding change: c.295C>T on transcript NM_003924.4 (MANE Select); coding-DNA position 295, C replaced by T.
Protein change: p.Arg99Trp; replaces arginine 99 with tryptophan.
Molecular consequence: missense variant.
Genome position (GRCh38, 1-based): chr4:41,747,483, G>A on the plus strand (C>T on the coding strand, the complement: PHOX2B is on the minus strand). VCF-style: chr4-41747483-G-A. GRCh37 (hg19) VCF-style: chr4-41749500-G-A.
Other names: short protein forms R99W.
Identifiers: ClinVar variation 1798154 (VCV001798154.2), dbSNP rs1577560349, ClinGen allele CA356740409.

ClinVar aggregate classification (germline): Likely pathogenic (1 of 4 stars; one submission).

Conditions:
Hereditary cancer-predisposing syndrome. Also called: Neoplastic Syndromes, Hereditary; Tumor predisposition; Hereditary Cancer Syndrome; Hereditary neoplastic syndrome. Identifiers: Orphanet 140162, MedGen C0027672, MeSH D009386, MONDO:0015356.

Submission:

Ambry Genetics
Classification: Likely pathogenic for Hereditary cancer-predisposing syndrome. Last evaluated: 2018-02-01. Review status: criteria provided, single submitter. Criteria: Ambry Variant Classification Scheme 2023. Collection method: clinical testing. Allele origin: germline.
Comment: The p.R99W variant (also known as c.295C>T), located in coding exon 2 of the PHOX2B gene, results from a C to T substitution at nucleotide position 295. The arginine at codon 99 is replaced by tryptophan, an amino acid with dissimilar properties. This alteration occurred de novo in a family tested by our laboratory. This amino acid position is highly conserved in available vertebrate species. In addition, this alteration is predicted to be deleterious by in silico analysis. Internal structural analysis has revealed that this alteration would disrupt the DNA binding domain of the protein. Based on the majority of available evidence to date, this variant is likely to be pathogenic.